The following is an entry in ClinVar:

ClinVar aggregate classification (germline): Benign. Review status: criteria provided, single submitter (1 of 4 stars). 2 submissions from 2 submitters: Benign (1). 1 of the submissions does not count toward it. Last evaluated 2025-12-28.

Conditions:
LONP1-related disorder. Also called: LONP1-related condition; LONP1-related disorders.

Allele frequency attached by ClinVar (database versions not stated): gnomAD 0.00004 and 0.00006; TOPMed 0.00008; ExAC 0.00020; 1000 Genomes Project 0.00060; 1000 Genomes Project 30x 0.00062.
gnomAD v4.1: 97 of 1,613,520 alleles (0.006%); highest among the groups gnomAD compares: East Asian, 0.18%; no homozygotes.

Submissions (2):

Labcorp Genetics (formerly Invitae), Labcorp
Classification: Benign. Last evaluated: 2025-12-28. Review status: criteria provided, single submitter. Criteria: Invitae Variant Classification Sherloc (09022015). Collection method: clinical testing. Allele origin: germline.

PreventionGenetics, part of Exact Sciences
Classification: Likely benign for LONP1-related condition. Last evaluated: 2019-03-30. Review status: no assertion criteria provided. Collection method: clinical testing. Allele origin: germline. Not counted in ClinVar's aggregate classification.
Comment: This variant is classified as likely benign based on ACMG/AMP sequence variant interpretation guidelines (Richards et al. 2015 PMID: 25741868, with internal and published modifications).

NM_004793.4(LONP1):c.2250G>C (p.Val750=)

Gene: LONP1 (lon peptidase 1, mitochondrial; minus strand). Cytogenetic location: 19p13.3.
Variant type: single nucleotide variant.
Coding change: c.2250G>C on transcript NM_004793.4 (MANE Select); coding-DNA position 2250, G replaced by C.
Protein change: p.Val750=; no amino-acid change (valine 750 retained).
Molecular consequence: synonymous variant. On other transcripts: non-coding transcript variant (1).
Genome position (GRCh38, 1-based): chr19:5,694,457, C>G on the plus strand (G>C on the coding strand, the complement: LONP1 is on the minus strand). VCF-style: chr19-5694457-C-G. GRCh37 (hg19) VCF-style: chr19-5694468-C-G.
Other names: c.2058G>C, p.Val686= (NM_001276479.2); c.1662G>C, p.Val554= (NM_001276480.1).
Identifiers: ClinVar variation 737436 (VCV000737436.12), dbSNP rs183274421, ClinGen allele CA9114203.
Genomic context (GRCh38, chr19:5,694,457, plus strand): 5'-CCAGGCCAGCCCCATGACCACGCCGGGCGGTGTCACGTCATACATGCGCTCCACGGTGAA[C>G]ACGGGCTTCCCCACGAAGTCCTGCAGGTTCTCGGGCGTCACCTCCACGGACTCGGCCTCG-3'
Protein context (NP_004784.2, residues 740-760): ENLQDFVGKP[Val750=]FTVERMYDVT